The following is an entry in ClinVar:

NM_000057.4(BLM):c.996G>C (p.Glu332Asp)

Gene: BLM (BLM RecQ like helicase; plus strand). Cytogenetic location: 15q26.1.
Variant type: single nucleotide variant.
Coding change: c.996G>C on transcript NM_000057.4 (MANE Select); coding-DNA position 996, G replaced by C.
Protein change: p.Glu332Asp; replaces glutamic acid 332 with aspartic acid.
Molecular consequence: missense variant. On other transcripts: 5 prime UTR variant (1).
Genome position (GRCh38, 1-based): chr15:90,754,847, G>C. VCF-style: chr15-90754847-G-C. GRCh37 (hg19) VCF-style: chr15-91298077-G-C.
Other names: c.996G>C, p.Glu332Asp (NM_001287246.2, NM_001287247.2); c.-296G>C (NM_001287248.2); short protein forms E332D.
Identifiers: ClinVar variation 4809505 (VCV004809505.1).

ClinVar aggregate classification (germline): Uncertain significance (1 of 4 stars; one submission).

Conditions:
Bloom syndrome (BLM). Also called: Bloom-Torre-Machacek syndrome. Identifiers: Orphanet 125, MedGen C0005859, MONDO:0008876, OMIM 210900.

Submission:

Labcorp Genetics (formerly Invitae), Labcorp
Classification: Uncertain significance for Bloom syndrome. Last evaluated: 2025-12-12. Review status: criteria provided, single submitter. Criteria: Invitae Variant Classification Sherloc (09022015). Collection method: clinical testing. Allele origin: germline.
Comment: This sequence change replaces glutamic acid, which is acidic and polar, with aspartic acid, which is acidic and polar, at codon 332 of the BLM protein (p.Glu332Asp). This variant is not present in population databases (gnomAD no frequency). This variant has not been reported in the literature in individuals affected with BLM-related conditions. An algorithm developed to predict the effect of missense changes on protein structure and function (PolyPhen-2) suggests that this variant is likely to be tolerated. In summary, the available evidence is currently insufficient to determine the role of this variant in disease. Therefore, it has been classified as a Variant of Uncertain Significance.